The following is an entry in ClinVar:

ClinVar aggregate classification (germline): Pathogenic/Likely pathogenic. Review status: criteria provided, multiple submitters, no conflicts (2 of 4 stars). 2 submissions from 2 submitters: Pathogenic (1); Likely pathogenic (1). Last evaluated 2023-03-03.

Conditions:
Joubert syndrome 23 (JBTS23). Identifiers: Orphanet 475, MedGen C4084822, MONDO:0014664, OMIM 616490.
Short-rib thoracic dysplasia 14 with polydactyly (SRTD14). Identifiers: Orphanet 397715, MedGen C4225286, MONDO:0014688, OMIM 616546.
KIAA0586-related disorder. Also called: KIAA0586- Related disorders; KIAA0586-related condition.

Submissions (2):

Labcorp Genetics (formerly Invitae), Labcorp
Classification: Pathogenic for Joubert syndrome 23; Short-rib thoracic dysplasia 14 with polydactyly. Last evaluated: 2023-03-03. Review status: criteria provided, single submitter. Criteria: Invitae Variant Classification Sherloc (09022015). Collection method: clinical testing. Allele origin: germline.
Comment: For these reasons, this variant has been classified as Pathogenic. This variant has not been reported in the literature in individuals affected with KIAA0586-related conditions. This variant is present in population databases (no rsID available, gnomAD 0.01%). This sequence change creates a premature translational stop signal (p.Met696Valfs*17) in the KIAA0586 gene. It is expected to result in an absent or disrupted protein product. Loss-of-function variants in KIAA0586 are known to be pathogenic (PMID: 26096313, 26166481, 26386044).

Blueprint Genetics
Classification: Likely pathogenic for KIAA0586-related disorders. Last evaluated: 2019-11-08. Review status: criteria provided, single submitter. Criteria: ACMG Guidelines, 2015. Collection method: clinical testing. Allele origin: germline. Affected: yes. Observed: 2 variant alleles.

Literature cited by the submitters: PubMed 26096313 (cited by Labcorp Genetics (formerly Invitae), Labcorp); PubMed 26166481 (cited by Labcorp Genetics (formerly Invitae), Labcorp); PubMed 26386044 (cited by Labcorp Genetics (formerly Invitae), Labcorp).

NM_001329943.3(KIAA0586):c.1927_1928del (p.Met643fs)

Gene: KIAA0586 (KIAA0586; plus strand). Cytogenetic location: 14q23.1.
Variant type: Microsatellite.
Coding change: c.1927_1928del on transcript NM_001329943.3 (MANE Select); coding-DNA positions 1927 to 1928, 2 bases deleted (AT; older notation c.1927_1928delAT).
Protein change: p.Met643fs; shifts the reading frame from methionine 643.
Molecular consequence: frameshift variant.
Genome position (GRCh38, 1-based): chr14:58,461,028-58,461,029, AT deleted; deleting any 2 consecutive bases within chr14:58,461,025-58,461,029 gives the same sequence; the c. name uses the placement nearest the transcript's 3' end. VCF-style (leftmost placement, unchanged base first): chr14-58461024-TTA-T. GRCh37 (hg19) VCF-style: chr14-58927742-TTA-T.
Other names: c.2086_2087del, p.Met696fs (NM_001244189.2); c.1882_1883del, p.Met628fs (NM_001244190.2); c.1672_1673del, p.Met558fs (NM_001244191.2, NM_001329945.2, NM_001364700.1 and 1 more transcripts); c.1795_1796del, p.Met599fs (NM_001244192.2); c.1507_1508del, p.Met503fs (NM_001244193.2); c.1927_1928del, p.Met643fs (NM_001329944.2, NM_001329946.2, NM_001329947.2); c.1699_1700del, p.Met567fs (NM_014749.5); short protein forms M628fs, M643fs, M558fs, M696fs, M503fs, M567fs, M599fs.
Identifiers: ClinVar variation 2930234 (VCV002930234.4), dbSNP rs1383490784, ClinGen allele CA614733457.